The following is an entry in ClinVar:

ClinVar aggregate classification (germline): Uncertain significance (1 of 4 stars; one submission).

Conditions:
Melnick-Fraser syndrome (BOR). Also called: Branchio-oto-renal syndrome; Branchiootorenal syndrome; Branchiootorenal Syndrome (BORS). Identifiers: Orphanet 107, MedGen C0265234, MONDO:0007029.

Submission:

Labcorp Genetics (formerly Invitae), Labcorp
Classification: Uncertain significance for Melnick-Fraser syndrome. Last evaluated: 2021-12-13. Review status: criteria provided, single submitter. Criteria: Invitae Variant Classification Sherloc (09022015). Collection method: clinical testing. Allele origin: germline.
Comment: In summary, the available evidence is currently insufficient to determine the role of this variant in disease. Therefore, it has been classified as a Variant of Uncertain Significance. Algorithms developed to predict the effect of missense changes on protein structure and function are either unavailable or do not agree on the potential impact of this missense change (SIFT: "Deleterious"; PolyPhen-2: "Possibly Damaging"; Align-GVGD: "Class C0"). This variant has not been reported in the literature in individuals affected with EYA1-related conditions. This variant is not present in population databases (gnomAD no frequency). This sequence change replaces glycine, which is neutral and non-polar, with aspartic acid, which is acidic and polar, at codon 408 of the EYA1 protein (p.Gly408Asp).

NM_000503.6(EYA1):c.1223G>A (p.Gly408Asp)

Gene: EYA1 (EYA transcriptional coactivator and phosphatase 1; minus strand). Cytogenetic location: 8q13.3.
Variant type: single nucleotide variant.
Coding change: c.1223G>A on transcript NM_000503.6 (MANE Select); coding-DNA position 1223, G replaced by A.
Protein change: p.Gly408Asp; replaces glycine 408 with aspartic acid.
Molecular consequence: missense variant.
Genome position (GRCh38, 1-based): chr8:71,216,829, C>T on the plus strand (G>A on the coding strand, the complement: EYA1 is on the minus strand). VCF-style: chr8-71216829-C-T. GRCh37 (hg19) VCF-style: chr8-72129064-C-T.
Other names: c.857G>A, p.Gly286Asp (NM_001288575.2); c.1310G>A, p.Gly437Asp (NM_001370333.1); c.1223G>A, p.Gly408Asp (NM_001370334.1, NM_001370335.1, NM_172058.4); c.1202G>A, p.Gly401Asp (NM_001370336.1); c.1124G>A, p.Gly375Asp (NM_001411797.1, NM_172060.4); c.1205G>A, p.Gly402Asp (NM_172059.5, NM_001288574.2); short protein forms G401D, G402D, G408D, G286D, G375D, G437D.
Identifiers: ClinVar variation 2041647 (VCV002041647.4), dbSNP rs2537300810, ClinGen allele CA371466856.